The following is an entry in ClinVar:

NC_000010.10:g.(?_27293044)_(27389424_?)dup

Gene: ANKRD26 (ankyrin repeat domain containing 26; minus strand). Cytogenetic location: 10p12.1.
Variant type: Duplication.
Identifiers: ClinVar variation 3907490 (VCV003907490.1).

ClinVar aggregate classification (germline): Uncertain significance (1 of 4 stars; one submission).

Submission:

Women's Health and Genetics/Laboratory Corporation of America, LabCorp
Classification: Uncertain significance. Last evaluated: 2025-06-26. Review status: criteria provided, single submitter. Criteria: LabCorp Variant Classification Summary - May 2015. Collection method: clinical testing. Allele origin: germline.
Comment: Variant summary: The variant involves the duplication of exons 1-34 in the ANKRD26 gene. This duplication includes the entire coding sequence of the gene. As exact breakpoints are unknown, it may extend beyond the annotated region of the gene, to include other flanking genes. A presumed nomenclature of c.(?_-169)_(*1475_?)dup has been designated for the purposes of this classification. The variant was absent in 21694 control chromosomes. The available data on variant occurrences in the general population are insufficient to allow any conclusion about variant significance. To our knowledge, no occurrence of c.(?_-169)_(*1475_?)dup in individuals affected with Thrombocytopenia 2 and no experimental evidence demonstrating its impact on protein function have been reported. ClinVar contains an entry for this variant (Variation ID: 2426003). Based on the evidence outlined above, the variant was classified as uncertain significance.